The following is an entry in ClinVar:

ClinVar aggregate classification (germline): Uncertain significance (1 of 4 stars; one submission).

Submission:

GeneDx
Classification: Uncertain significance. Last evaluated: 2023-02-01. Review status: criteria provided, single submitter. Criteria: GeneDx Variant Classification Process June 2021. Collection method: clinical testing. Allele origin: germline. Affected: yes.
Comment: Not observed at significant frequency in large population cohorts (gnomAD); In silico analysis supports a deleterious effect on protein structure/function; Has not been previously published as pathogenic or benign to our knowledge

NM_001126108.2(SLC12A3):c.1678_1679delinsGA (p.Pro560Asp)

Gene: SLC12A3 (solute carrier family 12 member 3; plus strand). Cytogenetic location: 16q13.
Variant type: Indel.
Coding change: c.1678_1679delinsGA on transcript NM_001126108.2 (MANE Select); coding-DNA positions 1678 to 1679, CC replaced by GA.
Protein change: p.Pro560Asp; replaces proline 560 with aspartic acid.
Molecular consequence: missense variant.
Genome position (GRCh38, 1-based): chr16:56,884,057-56,884,058, CC replaced by GA. VCF-style: chr16-56884057-CC-GA. GRCh37 (hg19) VCF-style: chr16-56917969-CC-GA.
Other names: c.1678_1679delinsGA, p.Pro560Asp (NM_000339.3); c.1675_1676delinsGA, p.Pro559Asp (NM_001126107.2, NM_001410896.1); short protein forms P559D, P560D.
Identifiers: ClinVar variation 2574798 (VCV002574798.1), dbSNP rs2543515244, ClinGen allele CA2573332962.